The following is an entry in ClinVar:

ClinVar aggregate classification (germline): Uncertain significance (1 of 4 stars; one submission).

Submission:

Labcorp Genetics (formerly Invitae), Labcorp
Classification: Uncertain significance. Last evaluated: 2024-03-26. Review status: criteria provided, single submitter. Criteria: Invitae Variant Classification Sherloc (09022015). Collection method: clinical testing. Allele origin: germline.
Comment: This sequence change replaces phenylalanine, which is neutral and non-polar, with cysteine, which is neutral and slightly polar, at codon 755 of the TTLL5 protein (p.Phe755Cys). This variant is not present in population databases (gnomAD no frequency). This variant has not been reported in the literature in individuals affected with TTLL5-related conditions. ClinVar contains an entry for this variant (Variation ID: 1483516). Advanced modeling of protein sequence and biophysical properties (such as structural, functional, and spatial information, amino acid conservation, physicochemical variation, residue mobility, and thermodynamic stability) performed at Invitae indicates that this missense variant is expected to disrupt TTLL5 protein function with a positive predictive value of 80%. In summary, the available evidence is currently insufficient to determine the role of this variant in disease. Therefore, it has been classified as a Variant of Uncertain Significance.

NM_015072.5(TTLL5):c.2264T>G (p.Phe755Cys)

Gene: TTLL5 (tubulin tyrosine ligase like 5; plus strand). Cytogenetic location: 14q24.3.
Variant type: single nucleotide variant.
Coding change: c.2264T>G on transcript NM_015072.5 (MANE Select); coding-DNA position 2264, T replaced by G.
Protein change: p.Phe755Cys; replaces phenylalanine 755 with cysteine.
Molecular consequence: missense variant.
Genome position (GRCh38, 1-based): chr14:75,775,611, T>G. VCF-style: chr14-75775611-T-G. GRCh37 (hg19) VCF-style: chr14-76241954-T-G.
Other names: short protein forms F755C.
Identifiers: ClinVar variation 1483516 (VCV001483516.6), dbSNP rs2140317314, ClinGen allele CA390469321.